The following is an entry in ClinVar:

ClinVar aggregate classification (germline): Benign/Likely benign. Review status: criteria provided, multiple submitters, no conflicts (2 of 4 stars). 3 submissions from 2 submitters: Benign (2); Likely benign (1). Last evaluated 2026-02-04.

Conditions:
Severe early-childhood-onset retinal dystrophy (STGD1). Also called: STGD; Stargardt macular dystrophy; Juvenile onset macular degeneration; Stargardt disease 1; MACULAR DYSTROPHY WITH FLECKS, TYPE 1. Identifiers: Orphanet 364055, Orphanet 827, MedGen C1855465, MeSH D000080362, MONDO:0009549, OMIM 248200.
Achromatopsia 3 (ACHM3). Also called: PINGELAPESE BLINDNESS; TOTAL COLORBLINDNESS WITH MYOPIA; ROD MONOCHROMACY 1; ROD MONOCHROMATISM 1; ACHROMATOPSIA WITH MYOPIA. Identifiers: Orphanet 49382, MedGen C1849792, MONDO:0009875, OMIM 262300.

Allele frequency attached by ClinVar (database versions not stated): TOPMed 0.00075; 1000 Genomes Project 0.00200; gnomAD exomes 0.00450; gnomAD 0.00062 and 0.00078; ExAC 0.01855.
gnomAD v4.1: 684 of 871,038 alleles (0.079%); highest among the groups gnomAD compares: East Asian, 2%; 5 homozygotes.

Submissions (3):

Labcorp Genetics (formerly Invitae), Labcorp
Classification: Likely benign. Last evaluated: 2026-02-04. Review status: criteria provided, single submitter. Criteria: Invitae Variant Classification Sherloc (09022015). Collection method: clinical testing. Allele origin: germline.

Illumina Laboratory Services, Illumina
Classification: Benign for Severe early-childhood-onset retinal dystrophy. Last evaluated: 2018-01-13. Review status: criteria provided, single submitter. Criteria: ICSL Variant Classification Criteria 13 December 2019. Collection method: clinical testing. Allele origin: germline.
Comment: This variant was observed in the ICSL laboratory as part of a predisposition screen in an ostensibly healthy population. It had not been previously curated by ICSL or reported in the Human Gene Mutation Database (HGMD: prior to June 1st, 2018), and was therefore a candidate for classification through an automated scoring system. Utilizing variant allele frequency, disease prevalence and penetrance estimates, and inheritance mode, an automated score was calculated to assess if this variant is too frequent to cause the disease. Based on the score and internal cut-off values, a variant classified as benign is not then subjected to further curation. The score for this variant resulted in a classification of benign for this disease.

Illumina Laboratory Services, Illumina
Classification: Benign for Achromatopsia 3. Last evaluated: 2018-01-13. Review status: criteria provided, single submitter. Criteria: ICSL Variant Classification Criteria 13 December 2019. Collection method: clinical testing. Allele origin: germline.
Comment: the same text as in the submission from Illumina Laboratory Services, Illumina above.

NM_019098.5(CNGB3):c.494-11T>C

Gene: CNGB3 (cyclic nucleotide gated channel subunit beta 3; minus strand). Cytogenetic location: 8q21.3.
Variant type: single nucleotide variant.
Coding change: c.494-11T>C on transcript NM_019098.5 (MANE Select); 11 bases into the intron before coding-DNA position 494, T replaced by C.
Molecular consequence: intron variant.
Genome position (GRCh38, 1-based): chr8:86,668,179, A>G on the plus strand (T>C on the coding strand, the complement: CNGB3 is on the minus strand). VCF-style: chr8-86668179-A-G. GRCh37 (hg19) VCF-style: chr8-87680407-A-G.
Identifiers: ClinVar variation 363883 (VCV000363883.13), dbSNP rs543970676, ClinGen allele CA4800372.